The following is an entry in ClinVar:

ClinVar aggregate classification (germline): Pathogenic (1 of 4 stars; one submission).

Conditions:
Hereditary cancer-predisposing syndrome. Also called: Neoplastic Syndromes, Hereditary; Tumor predisposition; Hereditary Cancer Syndrome; Hereditary neoplastic syndrome. Identifiers: Orphanet 140162, MedGen C0027672, MeSH D009386, MONDO:0015356.

Submission:

Ambry Genetics
Classification: Pathogenic for Hereditary cancer-predisposing syndrome. Last evaluated: 2019-08-28. Review status: criteria provided, single submitter. Criteria: Ambry Variant Classification Scheme 2023. Collection method: clinical testing. Allele origin: germline.
Comment: The c.1953delA pathogenic mutation, located in coding exon 12 of the RAD50 gene, results from a deletion of one nucleotide at nucleotide position 1953, causing a translational frameshift with a predicted alternate stop codon (p.K651Nfs*23). This alteration is expected to result in loss of function by premature protein truncation or nonsense-mediated mRNA decay. As such, this alteration is interpreted as a disease-causing mutation.

NM_005732.4(RAD50):c.1953del (p.Lys651fs)

Gene: RAD50 (RAD50 double strand break repair protein; plus strand). Cytogenetic location: 5q31.1.
Variant type: Deletion.
Coding change: c.1953del on transcript NM_005732.4 (MANE Select); coding-DNA position 1953, one base deleted (A; older notation c.1953delA).
Protein change: p.Lys651fs; shifts the reading frame from lysine 651.
Molecular consequence: frameshift variant.
Genome position (GRCh38, 1-based): chr5:132,595,028, A deleted; the last of 5 consecutive A bases (chr5:132,595,024-132,595,028); deleting any one gives the same sequence. VCF-style (leftmost placement, unchanged base first): chr5-132595023-GA-G. GRCh37 (hg19) VCF-style: chr5-131930715-GA-G.
Other names: short protein forms K651fs.
Identifiers: ClinVar variation 820402 (VCV000820402.4), dbSNP rs1580996563, ClinGen allele CA915943555.